The following is an entry in ClinVar:

NM_022124.6(CDH23):c.4382G>T (p.Gly1461Val)

Gene: CDH23 (cadherin related 23; plus strand). Cytogenetic location: 10q22.1.
Variant type: single nucleotide variant.
Coding change: c.4382G>T on transcript NM_022124.6 (MANE Select); coding-DNA position 4382, G replaced by T.
Protein change: p.Gly1461Val; replaces glycine 1461 with valine.
Molecular consequence: missense variant.
Genome position (GRCh38, 1-based): chr10:71,739,666, G>T. VCF-style: chr10-71739666-G-T. GRCh37 (hg19) VCF-style: chr10-73499423-G-T.
Other names: short protein forms G1461V.
Identifiers: ClinVar variation 1374697 (VCV001374697.4), dbSNP rs2132844056, ClinGen allele CA377159805.
Genomic context (GRCh38, chr10:71,739,666, plus strand): 5'-CACACCTGCTCACCCCTCACCCTCTCTTCTCCCCACAGGTGGTCTTCTCCCTGGCCTCTG[G>T]CAACATCGCGGGGGCCTTTGAGATCGTCACCACCAATGACTCCATTGGCGAAGTGTTTGT-3'
Protein context (NP_071407.4, residues 1451-1471): NGQVVFSLAS[Gly1461Val]NIAGAFEIVT

ClinVar aggregate classification (germline): Uncertain significance (1 of 4 stars; one submission).

Allele frequency attached by ClinVar (database versions not stated): gnomAD exomes below 0.00001.
gnomAD v4.1: 1 of 1,613,026 alleles (0.000062%); highest among the groups gnomAD compares: Non-Finnish European, 0.000085%; no homozygotes.

Submission:

Labcorp Genetics (formerly Invitae), Labcorp
Classification: Uncertain significance. Last evaluated: 2021-08-26. Review status: criteria provided, single submitter. Criteria: Invitae Variant Classification Sherloc (09022015). Collection method: clinical testing. Allele origin: germline.
Comment: This sequence change replaces glycine with valine at codon 1461 of the CDH23 protein (p.Gly1461Val). The glycine residue is highly conserved and there is a moderate physicochemical difference between glycine and valine. This variant is not present in population databases (ExAC no frequency). This variant has not been reported in the literature in individuals affected with CDH23-related conditions. Algorithms developed to predict the effect of missense changes on protein structure and function are either unavailable or do not agree on the potential impact of this missense change (SIFT: "Deleterious"; PolyPhen-2: "Not Available"; Align-GVGD: "Class C0"). In summary, the available evidence is currently insufficient to determine the role of this variant in disease. Therefore, it has been classified as a Variant of Uncertain Significance.